The following is an entry in ClinVar:

ClinVar aggregate classification (germline): Uncertain significance. Review status: criteria provided, multiple submitters, no conflicts (2 of 4 stars). 3 submissions from 3 submitters: Uncertain significance (3). Last evaluated 2025-12-06.

Conditions:
Inborn genetic diseases. Identifiers: MedGen C0950123, MeSH D030342.

Allele frequency attached by ClinVar (database versions not stated): gnomAD 0.00001; ExAC 0.00002; TOPMed 0.00002; gnomAD exomes 0.00003.
gnomAD v4.1: 45 of 1,614,038 alleles (0.0028%); highest among the groups gnomAD compares: Non-Finnish European, 0.0036%; no homozygotes.

Submissions (3):

Labcorp Genetics (formerly Invitae), Labcorp
Classification: Uncertain significance. Last evaluated: 2025-12-06. Review status: criteria provided, single submitter. Criteria: Invitae Variant Classification Sherloc (09022015). Collection method: clinical testing. Allele origin: germline.
Comment: This sequence change replaces arginine, which is basic and polar, with glutamine, which is neutral and polar, at codon 426 of the GANAB protein (p.Arg426Gln). This variant is present in population databases (rs772894334, gnomAD 0.003%). This variant has not been reported in the literature in individuals affected with GANAB-related conditions. ClinVar contains an entry for this variant (Variation ID: 1704737). Invitae Evidence Modeling of protein sequence and biophysical properties (such as structural, functional, and spatial information, amino acid conservation, physicochemical variation, residue mobility, and thermodynamic stability) indicates that this missense variant is not expected to disrupt GANAB protein function with a negative predictive value of 80%. In summary, the available evidence is currently insufficient to determine the role of this variant in disease. Therefore, it has been classified as a Variant of Uncertain Significance.

Ambry Genetics
Classification: Uncertain significance for Inborn genetic diseases. Last evaluated: 2023-05-23. Review status: criteria provided, single submitter. Criteria: Ambry Variant Classification Scheme 2023. Collection method: clinical testing. Allele origin: germline.

GeneDx
Classification: Uncertain significance. Last evaluated: 2022-03-09. Review status: criteria provided, single submitter. Criteria: GeneDx Variant Classification Process June 2021. Collection method: clinical testing. Allele origin: germline. Affected: yes.
Comment: Not observed at significant frequency in large population cohorts (gnomAD); In silico analysis supports that this missense variant does not alter protein structure/function; Has not been previously published as pathogenic or benign to our knowledge

NM_198334.3(GANAB):c.1211G>A (p.Arg404Gln)

Gene: GANAB (glucosidase II alpha subunit; minus strand). Cytogenetic location: 11q12.3.
Variant type: single nucleotide variant.
Coding change: c.1211G>A on transcript NM_198334.3 (MANE Select); coding-DNA position 1211, G replaced by A.
Protein change: p.Arg404Gln; replaces arginine 404 with glutamine.
Molecular consequence: missense variant.
Genome position (GRCh38, 1-based): chr11:62,630,776, C>T on the plus strand (G>A on the coding strand, the complement: GANAB is on the minus strand). VCF-style: chr11-62630776-C-T. GRCh37 (hg19) VCF-style: chr11-62398248-C-T.
Other names: c.1277G>A (NM_198335.2); c.935G>A, p.Arg312Gln (NM_001278192.2); c.869G>A, p.Arg290Gln (NM_001278193.2); c.920G>A, p.Arg307Gln (NM_001278194.2, NM_001329222.2, NM_001329223.2); c.488G>A, p.Arg163Gln (NM_001329224.2, NM_001329225.2); c.1277G>A, p.Arg426Gln (NM_198335.4); short protein forms R163Q, R290Q, R307Q, R312Q, R404Q, R426Q.
Identifiers: ClinVar variation 1704737 (VCV001704737.5), dbSNP rs772894334, ClinGen allele CA6050831.